The following is an entry in ClinVar:

ClinVar aggregate classification (germline): Uncertain significance (1 of 4 stars; one submission).

Conditions:
Hypertrophic cardiomyopathy 19. Also called: Familial hypertrophic cardiomyopathy 19. Identifiers: MedGen CN077603, MONDO:0013476.

gnomAD v4.1: 2 of 1,613,458 alleles (0.00012%); highest among the groups gnomAD compares: Non-Finnish European, 0.000085%; no homozygotes.

Submission:

Labcorp Genetics (formerly Invitae), Labcorp
Classification: Uncertain significance for Hypertrophic cardiomyopathy 19. Last evaluated: 2025-10-25. Review status: criteria provided, single submitter. Criteria: Invitae Variant Classification Sherloc (09022015). Collection method: clinical testing. Allele origin: germline.
Comment: This sequence change falls in intron 2 of the CALR3 gene. It does not directly change the encoded amino acid sequence of the CALR3 protein. It affects a nucleotide within the consensus splice site. This variant is not present in population databases (gnomAD no frequency). This variant has not been reported in the literature in individuals affected with CALR3-related conditions. Variants that disrupt the consensus splice site are a relatively common cause of aberrant splicing (PMID: 17576681, 9536098). Algorithms developed to predict the effect of sequence changes on RNA splicing suggest that this variant is not likely to affect RNA splicing. In summary, the available evidence is currently insufficient to determine the role of this variant in disease. Therefore, it has been classified as a Variant of Uncertain Significance.

Literature cited by the submitters: PubMed 17576681; PubMed 9536098.

NM_145046.5(CALR3):c.194-3A>C

Gene: CALR3 (calreticulin 3; minus strand). Cytogenetic location: 19p13.11.
Variant type: single nucleotide variant.
Coding change: c.194-3A>C on transcript NM_145046.5 (MANE Select); 3 bases into the intron before coding-DNA position 194, A replaced by C.
Molecular consequence: intron variant.
Genome position (GRCh38, 1-based): chr19:16,490,573, T>G on the plus strand (A>C on the coding strand, the complement: CALR3 is on the minus strand). VCF-style: chr19-16490573-T-G. GRCh37 (hg19) VCF-style: chr19-16601384-T-G.
Identifiers: ClinVar variation 4703133 (VCV004703133.1).